The following is an entry in ClinVar:

NM_005883.3(APC2):c.6725_6733del (p.Ala2242_Phe2244del)

Gene: APC2 (APC regulator of Wnt signaling pathway 2; plus strand). Cytogenetic location: 19p13.3.
Variant type: Deletion.
Coding change: c.6725_6733del on transcript NM_005883.3 (MANE Select); coding-DNA positions 6725 to 6733, 9 bases deleted (CACCCTTCG; older notation c.6725_6733delCACCCTTCG).
Protein change: p.Ala2242_Phe2244del.
Molecular consequence: inframe deletion.
Genome position (GRCh38, 1-based): chr19:1,470,026-1,470,034, CACCCTTCG deleted; deleting any 9 consecutive bases within chr19:1,470,024-1,470,034 gives the same sequence; the c. name uses the placement nearest the transcript's 3' end. VCF-style (leftmost placement, unchanged base first): chr19-1470023-CCGCACCCTT-C. GRCh37 (hg19) VCF-style: chr19-1470022-CCGCACCCTT-C.
Other names: c.6722_6730del, p.Ala2241_Phe2243del (NM_001351273.1); c.6725_6733del (NM_005883.2).
Identifiers: ClinVar variation 2873957 (VCV002873957.4), dbSNP rs760723894, ClinGen allele CA9046178.

ClinVar aggregate classification (germline): Uncertain significance. Review status: criteria provided, multiple submitters, no conflicts (2 of 4 stars). 2 submissions from 2 submitters: Uncertain significance (2). Last evaluated 2024-04-08.

Submissions (2):

GeneDx
Classification: Uncertain significance. Last evaluated: 2024-04-08. Review status: criteria provided, single submitter. Criteria: GeneDx Variant Classification Process June 2021. Collection method: clinical testing. Allele origin: germline. Affected: yes.
Comment: In-frame deletion of 3 amino acids in a non-repeat region; In silico analysis indicates that this variant does not alter protein structure/function; Has not been previously published as pathogenic or benign to our knowledge

Labcorp Genetics (formerly Invitae), Labcorp
Classification: Uncertain significance. Last evaluated: 2023-07-12. Review status: criteria provided, single submitter. Criteria: Invitae Variant Classification Sherloc (09022015). Collection method: clinical testing. Allele origin: germline.
Comment: This variant, c.6725_6733del, results in the deletion of 3 amino acid(s) of the APC2 protein (p.Ala2242_Phe2244del), but otherwise preserves the integrity of the reading frame. This variant is present in population databases (rs760723894, gnomAD 0.03%). This variant has not been reported in the literature in individuals affected with APC2-related conditions. Experimental studies and prediction algorithms are not available or were not evaluated, and the functional significance of this variant is currently unknown. In summary, the available evidence is currently insufficient to determine the role of this variant in disease. Therefore, it has been classified as a Variant of Uncertain Significance.